The following is an entry in ClinVar:

NM_001868.4(CPA1):c.446G>T (p.Gly149Val)

Gene: CPA1 (carboxypeptidase A1; plus strand). Cytogenetic location: 7q32.2.
Variant type: single nucleotide variant.
Coding change: c.446G>T on transcript NM_001868.4 (MANE Select); coding-DNA position 446, G replaced by T.
Protein change: p.Gly149Val; replaces glycine 149 with valine.
Molecular consequence: missense variant.
Genome position (GRCh38, 1-based): chr7:130,382,172, G>T. VCF-style: chr7-130382172-G-T. GRCh37 (hg19) VCF-style: chr7-130022013-G-T.
Other names: short protein forms G149V.
Identifiers: ClinVar variation 4559528 (VCV004559528.1).
Genomic context (GRCh38, chr7:130,382,172, plus strand): 5'-ATGACTTCCTGGACCTGCTGGTGGCGGAGAACCCGCACCTTGTCAGCAAGATCCAGATTG[G>T]CAACACCTATGAAGGGCGTCCCATTTACGTGCTGAAGGTAACATCCACATGTGGACATAC-3'
Protein context (NP_001859.1, residues 139-159): NPHLVSKIQI[Gly149Val]NTYEGRPIYV

ClinVar aggregate classification (germline): Uncertain significance (1 of 4 stars; one submission).

Conditions:
Hereditary pancreatitis (PCTT). Also called: Hereditary chronic pancreatitis; PRSS1-Related Hereditary Pancreatitis. Identifiers: Orphanet 676, MedGen C0238339, MONDO:0008185, OMIM 167800.

Submission:

Ambry Genetics
Classification: Uncertain significance for Hereditary pancreatitis. Last evaluated: 2025-10-03. Review status: criteria provided, single submitter. Criteria: Ambry Variant Classification Scheme 2023. Collection method: clinical testing. Allele origin: germline.
Comment: The p.G149V variant (also known as c.446G>T), located in coding exon 4 of the CPA1 gene, results from a G to T substitution at nucleotide position 446. The glycine at codon 149 is replaced by valine, an amino acid with dissimilar properties. This amino acid position is conserved. In addition, this alteration is predicted to be deleterious by in silico analysis. Based on the available evidence, the clinical significance of this variant remains unclear.